The following is an entry in ClinVar:

ClinVar aggregate classification (germline): Likely pathogenic. Review status: criteria provided, multiple submitters, no conflicts (2 of 4 stars). 3 submissions from 3 submitters: Likely pathogenic (3). Last evaluated 2024-10-21.

Conditions:
Nijmegen breakage syndrome-like disorder (NBSLD). Also called: MICROCEPHALY AND SPONTANEOUS CHROMOSOME INSTABILITY WITHOUT IMMUNODEFICIENCY; NBS-LIKE DISORDER; RAD50 DEFICIENCY. Identifiers: Orphanet 240760, MedGen C2751318, MONDO:0013118, OMIM 613078.
Hereditary cancer-predisposing syndrome. Also called: Neoplastic Syndromes, Hereditary; Tumor predisposition; Hereditary Cancer Syndrome; Hereditary neoplastic syndrome. Identifiers: Orphanet 140162, MedGen C0027672, MeSH D009386, MONDO:0015356.

Allele frequency attached by ClinVar (database versions not stated): TOPMed below 0.00001; ExAC 0.00001; gnomAD 0.00001; gnomAD exomes 0.00001.
gnomAD v4.1: 6 of 1,613,974 alleles (0.00037%); highest among the groups gnomAD compares: Admixed American, 0.0017%; no homozygotes.

Submissions (3):

Labcorp Genetics (formerly Invitae), Labcorp
Classification: Likely pathogenic for Hereditary cancer-predisposing syndrome. Last evaluated: 2024-10-21. Review status: criteria provided, single submitter. Criteria: Invitae Variant Classification Sherloc (09022015). Collection method: clinical testing. Allele origin: germline.
Comment: This sequence change affects a donor splice site in intron 1 of the RAD50 gene. It is expected to disrupt RNA splicing. Variants that disrupt the donor or acceptor splice site typically lead to a loss of protein function (PMID: 16199547), and loss-of-function variants in RAD50 are known to be pathogenic (PMID: 19409520). This variant is present in population databases (rs748086984, gnomAD 0.002%). This variant has not been reported in the literature in individuals affected with RAD50-related conditions. ClinVar contains an entry for this variant (Variation ID: 232569). Studies have shown that disruption of this splice site is associated with inconclusive levels of altered splicing (internal data). In summary, the currently available evidence indicates that the variant is pathogenic, but additional data are needed to prove that conclusively. Therefore, this variant has been classified as Likely Pathogenic.

Baylor Genetics
Classification: Likely pathogenic for Nijmegen breakage syndrome-like disorder. Last evaluated: 2024-01-19. Review status: criteria provided, single submitter. Criteria: ACMG Guidelines, 2015. Collection method: clinical testing. Allele origin: unknown.

Ambry Genetics
Classification: Likely pathogenic for Hereditary cancer-predisposing syndrome. Last evaluated: 2020-02-18. Review status: criteria provided, single submitter. Criteria: Ambry Variant Classification Scheme 2023. Collection method: clinical testing. Allele origin: germline.
Comment: The c.129+2T>A intronic variant results from a T to A substitution two nucleotides after coding exon 1 in the RAD50 gene. This nucleotide position is highly conserved in available vertebrate species. Using the BDGP and ESEfinder splice site prediction tools, this alteration is predicted to abolish the native splice donor site; however, direct evidence is unavailable. Alterations that disrupt the canonical splice site are expected to cause aberrant splicing, resulting in an abnormal protein or a transcript that is subject to nonsense-mediated mRNA decay. As such, this alteration is classified as likely pathogenic.

Literature cited by the submitters: PubMed 16199547 (cited by Labcorp Genetics (formerly Invitae), Labcorp); PubMed 19409520 (cited by Labcorp Genetics (formerly Invitae), Labcorp).

NM_005732.4(RAD50):c.129+2T>A

Gene: RAD50 (RAD50 double strand break repair protein; plus strand). Cytogenetic location: 5q31.1.
Variant type: single nucleotide variant.
Coding change: c.129+2T>A on transcript NM_005732.4 (MANE Select); the canonical splice donor site of the intron after coding-DNA position 129, T replaced by A.
Molecular consequence: splice donor variant.
Genome position (GRCh38, 1-based): chr5:132,557,455, T>A. VCF-style: chr5-132557455-T-A. GRCh37 (hg19) VCF-style: chr5-131893147-T-A.
Identifiers: ClinVar variation 232569 (VCV000232569.14), dbSNP rs748086984, ClinGen allele CA3404893.